The following is an entry in ClinVar:

NM_001146312.3(MYOCD):c.1885C>A (p.Leu629Ile)

Gene: MYOCD (myocardin; plus strand). Cytogenetic location: 17p12.
Variant type: single nucleotide variant.
Coding change: c.1885C>A on transcript NM_001146312.3 (MANE Select); coding-DNA position 1885, C replaced by A.
Protein change: p.Leu629Ile; replaces leucine 629 with isoleucine.
Molecular consequence: missense variant.
Genome position (GRCh38, 1-based): chr17:12,753,173, C>A. VCF-style: chr17-12753173-C-A. GRCh37 (hg19) VCF-style: chr17-12656490-C-A.
Other names: c.1885C>A (NM_001146312.2); c.1885C>A, p.Leu629Ile (NM_153604.4); c.1648C>A, p.Leu550Ile (NM_001378306.1); short protein forms L550I, L629I.
Identifiers: ClinVar variation 2647492 (VCV002647492.24), dbSNP rs141965445, ClinGen allele CA8399714.
Genomic context (GRCh38, chr17:12,753,173, plus strand): 5'-CTTGGAAATGCTCATTGTGTGGAGTCCTCAGATCAAACCAATGTACTTTCTTCCACATTT[C>A]TCAGCCCCCAGTGTTCCCCTCAGCATTCACCGCTGGGGGCTGTGAAAAGCCCACAGCACA-3'
Protein context (NP_001139784.1, residues 619-639): DQTNVLSSTF[Leu629Ile]SPQCSPQHSP

ClinVar aggregate classification (germline): Likely benign. Review status: criteria provided, single submitter (1 of 4 stars). 2 submissions from 2 submitters: Likely benign (1). 1 of the submissions does not count toward it. Last evaluated 2023-01-01.

Conditions:
MYOCD-related condition.

Allele frequency attached by ClinVar (database versions not stated): 1000 Genomes Project 0.00020; 1000 Genomes Project 30x 0.00031; TOPMed 0.00040; gnomAD 0.00043; gnomAD exomes 0.00047; ESP Exome Variant Server 0.00054; ExAC 0.00072.
gnomAD v4.1: 757 of 1,614,174 alleles (0.047%); highest among the groups gnomAD compares: Middle Eastern, 0.46%; 4 homozygotes.

Submissions (2):

CeGaT Center for Human Genetics Tuebingen
Classification: Likely benign. Last evaluated: 2023-01-01. Review status: criteria provided, single submitter. Criteria: CeGaT Center For Human Genetics Tuebingen Variant Classification Criteria Version 2. Collection method: clinical testing. Allele origin: germline. Affected: yes. Observed: 1 variant allele.
Comment: MYOCD: BS1

PreventionGenetics, part of Exact Sciences
Classification: Likely benign for MYOCD-related condition. Last evaluated: 2024-07-17. Review status: no assertion criteria provided. Collection method: clinical testing. Allele origin: germline. Not counted in ClinVar's aggregate classification.
Comment: This variant is classified as likely benign based on ACMG/AMP sequence variant interpretation guidelines (Richards et al. 2015 PMID: 25741868, with internal and published modifications).